The following is an entry in ClinVar:

NM_181458.4(PAX3):c.14C>G (p.Ala5Gly)

Genes: CCDC140 (CCDC140 long non-coding RNA; plus strand), PAX3 (paired box 3; minus strand), LOC107980445 (PAX3 promoter region; plus strand). Cytogenetic location: 2q36.1.
Variant type: single nucleotide variant.
Coding change: c.14C>G on transcript NM_181458.4 (MANE Select); coding-DNA position 14, C replaced by G.
Protein change: p.Ala5Gly; replaces alanine 5 with glycine.
Molecular consequence: missense variant.
Genome position (GRCh38, 1-based): chr2:222,298,602, G>C on the plus strand (C>G on the coding strand, the complement: PAX3 is on the minus strand). VCF-style: chr2-222298602-G-C. GRCh37 (hg19) VCF-style: chr2-223163321-G-C.
Other names: c.14C>G, p.Ala5Gly (NM_000438.6, NM_001127366.3, NM_013942.5 and 4 more transcripts); short protein forms A5G.
Identifiers: ClinVar variation 4747918 (VCV004747918.1).

ClinVar aggregate classification (germline): Uncertain significance (1 of 4 stars; one submission).

gnomAD v4.1: 10 of 1,606,566 alleles (0.00062%); highest among the groups gnomAD compares: Admixed American, 0.0051%; no homozygotes.

Submission:

Labcorp Genetics (formerly Invitae), Labcorp
Classification: Uncertain significance. Last evaluated: 2025-09-08. Review status: criteria provided, single submitter. Criteria: Invitae Variant Classification Sherloc (09022015). Collection method: clinical testing. Allele origin: germline.
Comment: This sequence change replaces alanine, which is neutral and non-polar, with glycine, which is neutral and non-polar, at codon 5 of the PAX3 protein (p.Ala5Gly). This variant is present in population databases (no rsID available, gnomAD 0.003%). This variant has not been reported in the literature in individuals affected with PAX3-related conditions. An algorithm developed to predict the effect of missense changes on protein structure and function (PolyPhen-2) suggests that this variant is likely to be tolerated. In summary, the available evidence is currently insufficient to determine the role of this variant in disease. Therefore, it has been classified as a Variant of Uncertain Significance.